The following is an entry in ClinVar:

ClinVar aggregate classification (germline): Conflicting classifications of pathogenicity. Review status: criteria provided, conflicting classifications (1 of 4 stars). 2 submissions from 2 submitters: Uncertain significance (1); Likely benign (1). Last evaluated 2022-08-09.

Conditions:
Intellectual developmental disorder, autosomal dominant 6, with or without seizures. Also called: Intellectual disability, autosomal dominant 6; GRIN2B-related developmental delay, intellectual disability and autism spectrum disorder. Identifiers: Orphanet 589547, MedGen C3151411, MONDO:0013509, OMIM 613970.
Developmental and epileptic encephalopathy, 27 (DEE27). Also called: Epileptic encephalopathy, early infantile, 27; GRIN2B-Related Neurodevelopmental Disorder. Identifiers: Orphanet 3451, MedGen C4015316, MONDO:0014505, OMIM 616139.

Submissions (2):

Labcorp Genetics (formerly Invitae), Labcorp
Classification: Likely benign for Developmental and epileptic encephalopathy, 27; Intellectual developmental disorder, autosomal dominant 6, with or without seizures. Last evaluated: 2022-08-09. Review status: criteria provided, single submitter. Criteria: Invitae Variant Classification Sherloc (09022015). Collection method: clinical testing. Allele origin: germline.

GeneDx
Classification: Uncertain significance. Last evaluated: 2019-06-21. Review status: criteria provided, single submitter. Criteria: GeneDx Variant Classification Process June 2021. Collection method: clinical testing. Allele origin: germline. Affected: yes.
Comment: Not observed in large population cohorts (Lek et al., 2016); In silico analysis, which includes protein predictors and evolutionary conservation, supports a deleterious effect; Has not been previously published as pathogenic or benign to our knowledge

NM_000834.5(GRIN2B):c.364C>T (p.Pro122Ser)

Gene: GRIN2B (glutamate ionotropic receptor NMDA type subunit 2B; minus strand). Cytogenetic location: 12p13.1.
Variant type: single nucleotide variant.
Coding change: c.364C>T on transcript NM_000834.5 (MANE Select); coding-DNA position 364, C replaced by T.
Protein change: p.Pro122Ser; replaces proline 122 with serine.
Molecular consequence: missense variant.
Genome position (GRCh38, 1-based): chr12:13,865,845, G>A on the plus strand (C>T on the coding strand, the complement: GRIN2B is on the minus strand). VCF-style: chr12-13865845-G-A. GRCh37 (hg19) VCF-style: chr12-14018779-G-A.
Other names: short protein forms P122S.
Identifiers: ClinVar variation 938350 (VCV000938350.11), dbSNP rs1865817808, ClinGen allele CA384053642.
Genomic context (GRCh38, chr12:13,865,845, plus strand): 5'-AGCCCCTTTTTACCTTATCTGCCATTATCATAGAGGAGCCCCCGTGGATGCCCAGGATGG[G>A]GGTGAGAGTCTGTGCTGAAATGAAATCGAGGATCTGGGCGATGGCTTCCTGGTCTGTGTC-3'
Protein context (NP_000825.2, residues 112-132): LDFISAQTLT[Pro122Ser]ILGIHGGSSM